The following is an entry in ClinVar:

NM_000540.3(RYR1):c.14783T>A (p.Ile4928Asn)

Gene: RYR1 (ryanodine receptor 1; plus strand). Cytogenetic location: 19q13.2.
Variant type: single nucleotide variant.
Coding change: c.14783T>A on transcript NM_000540.3 (MANE Select); coding-DNA position 14783, T replaced by A.
Protein change: p.Ile4928Asn; replaces isoleucine 4928 with asparagine.
Molecular consequence: missense variant.
Genome position (GRCh38, 1-based): chr19:38,585,079, T>A. VCF-style: chr19-38585079-T-A. GRCh37 (hg19) VCF-style: chr19-39075719-T-A.
Other names: c.14768T>A, p.Ile4923Asn (NM_001042723.2); short protein forms I4923N, I4928N.
Identifiers: ClinVar variation 2505915 (VCV002505915.1), dbSNP rs2514773781, ClinGen allele CA405691071.

ClinVar aggregate classification (germline): Uncertain significance (1 of 4 stars; one submission).

Submission:

GeneDx
Classification: Uncertain significance. Last evaluated: 2022-12-12. Review status: criteria provided, single submitter. Criteria: GeneDx Variant Classification Process June 2021. Collection method: clinical testing. Allele origin: germline. Affected: yes.
Comment: Not observed at significant frequency in large population cohorts (gnomAD); In silico analysis supports that this missense variant has a deleterious effect on protein structure/function; Has not been previously published as pathogenic or benign to our knowledge; This variant is associated with the following publications: (PMID: 20681998)